The following is an entry in ClinVar:

NM_000492.4(CFTR):c.3944T>C (p.Ile1315Thr)

Gene: CFTR (CF transmembrane conductance regulator; plus strand). Cytogenetic location: 7q31.2.
Variant type: single nucleotide variant.
Coding change: c.3944T>C on transcript NM_000492.4 (MANE Select); coding-DNA position 3944, T replaced by C.
Protein change: p.Ile1315Thr; replaces isoleucine 1315 with threonine.
Molecular consequence: missense variant.
Genome position (GRCh38, 1-based): chr7:117,652,912, T>C. VCF-style: chr7-117652912-T-C. GRCh37 (hg19) VCF-style: chr7-117292966-T-C.
Other names: short protein forms I1315T.
Identifiers: ClinVar variation 4649711 (VCV004649711.1).

ClinVar aggregate classification (germline): Uncertain significance (1 of 4 stars; one submission).

Conditions:
Cystic fibrosis (CF). Also called: MUCOVISCIDOSIS. Identifiers: Orphanet 586, MedGen C0010674, MONDO:0009061, OMIM 219700. Disease mechanism: loss of function.

Submission:

Ambry Genetics
Classification: Uncertain significance for Cystic fibrosis. Last evaluated: 2025-11-08. Review status: criteria provided, single submitter. Criteria: Ambry Variant Classification Scheme 2023. Collection method: clinical testing. Allele origin: germline.
Comment: The p.I1315T variant (also known as c.3944T>C), located in coding exon 24 of the CFTR gene, results from a T to C substitution at nucleotide position 3944. The isoleucine at codon 1315 is replaced by threonine, an amino acid with similar properties. This amino acid position is conserved. In addition, this alteration is predicted to be deleterious by in silico analysis. Based on the available evidence, the clinical significance of this variant remains unclear.